The following is an entry in ClinVar:

NM_201596.3(CACNB2):c.689C>T (p.Thr230Ile)

Gene: CACNB2 (calcium voltage-gated channel auxiliary subunit beta 2; plus strand). Cytogenetic location: 10p12.31.
Variant type: single nucleotide variant.
Coding change: c.689C>T on transcript NM_201596.3 (MANE Select); coding-DNA position 689, C replaced by T.
Protein change: p.Thr230Ile; replaces threonine 230 with isoleucine.
Molecular consequence: missense variant. On other transcripts: intron variant (6).
Genome position (GRCh38, 1-based): chr10:18,514,254, C>T. VCF-style: chr10-18514254-C-T. GRCh37 (hg19) VCF-style: chr10-18803183-C-T.
Other names: c.524C>T, p.Thr175Ile (NM_000724.4); c.545C>T, p.Thr182Ile (NM_201570.3); c.605C>T, p.Thr202Ile (NM_201571.4); c.527C>T, p.Thr176Ile (NM_201590.3); c.587-257C>T (NM_001167945.2); c.587-726C>T (NM_201572.4); c.671-257C>T (NM_201593.3); c.671-726C>T (NM_201597.3); and 2 more; short protein forms T175I, T176I, T182I, T202I, T230I.
Identifiers: ClinVar variation 3616141 (VCV003616141.2).

ClinVar aggregate classification (germline): Uncertain significance (1 of 4 stars; one submission).

Conditions:
Brugada syndrome 4 (BRGDA4). Identifiers: Orphanet 130, MedGen C2678477, MONDO:0012743, OMIM 611876.

gnomAD v4.1: 3 of 1,614,074 alleles (0.00019%); highest among the groups gnomAD compares: Non-Finnish European, 0.00025%; no homozygotes.

Submission:

Labcorp Genetics (formerly Invitae), Labcorp
Classification: Uncertain significance for Brugada syndrome 4. Last evaluated: 2024-12-17. Review status: criteria provided, single submitter. Criteria: Invitae Variant Classification Sherloc (09022015). Collection method: clinical testing. Allele origin: germline.
Comment: This sequence change replaces threonine, which is neutral and polar, with isoleucine, which is neutral and non-polar, at codon 176 of the CACNB2 protein (p.Thr176Ile). This variant is present in population databases (rs776046024, gnomAD 0.002%). This variant has not been reported in the literature in individuals affected with CACNB2-related conditions. An algorithm developed to predict the effect of missense changes on protein structure and function (PolyPhen-2) suggests that this variant is likely to be tolerated. In summary, the available evidence is currently insufficient to determine the role of this variant in disease. Therefore, it has been classified as a Variant of Uncertain Significance.